The following is an entry in ClinVar:

NM_001039876.3(SYNE4):c.601C>A (p.Leu201Met)

Gene: SYNE4 (spectrin repeat containing nuclear envelope family member 4; minus strand). Cytogenetic location: 19q13.12.
Variant type: single nucleotide variant.
Coding change: c.601C>A on transcript NM_001039876.3 (MANE Select); coding-DNA position 601, C replaced by A.
Protein change: p.Leu201Met; replaces leucine 201 with methionine.
Molecular consequence: missense variant. On other transcripts: intron variant (1).
Genome position (GRCh38, 1-based): chr19:36,006,767, G>T on the plus strand (C>A on the coding strand, the complement: SYNE4 is on the minus strand). VCF-style: chr19-36006767-G-T. GRCh37 (hg19) VCF-style: chr19-36497669-G-T.
Other names: c.280-96C>A (NM_001297735.3); c.601C>A (NM_001039876.1, NM_001039876.2); short protein forms L201M.
Identifiers: ClinVar variation 1376639 (VCV001376639.7), dbSNP rs200083160, ClinGen allele CA9393897.

ClinVar aggregate classification (germline): Uncertain significance. Review status: criteria provided, multiple submitters, no conflicts (2 of 4 stars). 4 submissions from 4 submitters: Uncertain significance (4). Last evaluated 2024-10-30.

Conditions:
Autosomal recessive nonsyndromic hearing loss 76. Also called: Deafness, autosomal recessive 76. Identifiers: Orphanet 90636, MedGen C3147083, MONDO:0014237, OMIM 615540.

Allele frequency attached by ClinVar (database versions not stated): gnomAD 0.00010 and 0.00011; gnomAD exomes 0.00010 and 0.00019; ESP Exome Variant Server 0.00017; TOPMed 0.00017; ExAC 0.00019.
gnomAD v4.1: 286 of 1,610,958 alleles (0.018%); highest among the groups gnomAD compares: Non-Finnish European, 0.024%; no homozygotes.

Submissions (4):

GeneDx
Classification: Uncertain significance. Last evaluated: 2024-10-30. Review status: criteria provided, single submitter. Criteria: GeneDx Variant Classification Process June 2021. Collection method: clinical testing. Allele origin: germline. Affected: yes.
Comment: In silico analysis indicates that this missense variant does not alter protein structure/function; Has not been previously published as pathogenic or benign to our knowledge

Ambry Genetics
Classification: Uncertain significance. Last evaluated: 2024-06-17. Review status: criteria provided, single submitter. Criteria: Ambry Variant Classification Scheme 2023. Collection method: clinical testing. Allele origin: germline.

Labcorp Genetics (formerly Invitae), Labcorp
Classification: Uncertain significance. Last evaluated: 2022-07-12. Review status: criteria provided, single submitter. Criteria: Invitae Variant Classification Sherloc (09022015). Collection method: clinical testing. Allele origin: germline.
Comment: This sequence change replaces leucine, which is neutral and non-polar, with methionine, which is neutral and non-polar, at codon 201 of the SYNE4 protein (p.Leu201Met). This variant is present in population databases (rs200083160, gnomAD 0.02%). This variant has not been reported in the literature in individuals affected with SYNE4-related conditions. ClinVar contains an entry for this variant (Variation ID: 1376639). Algorithms developed to predict the effect of missense changes on protein structure and function are either unavailable or do not agree on the potential impact of this missense change (SIFT: "Deleterious"; PolyPhen-2: "Possibly Damaging"; Align-GVGD: "Class C0"). In summary, the available evidence is currently insufficient to determine the role of this variant in disease. Therefore, it has been classified as a Variant of Uncertain Significance.

Fulgent Genetics
Classification: Uncertain significance for Autosomal recessive nonsyndromic hearing loss 76. Last evaluated: 2021-07-30. Review status: criteria provided, single submitter. Criteria: ACMG Guidelines, 2015. Collection method: clinical testing. Allele origin: unknown.